The following is an entry in ClinVar:

NM_004999.4(MYO6):c.2078-19T>C

Gene: MYO6 (myosin VI; plus strand). Cytogenetic location: 6q14.1.
Variant type: single nucleotide variant.
Coding change: c.2078-19T>C on transcript NM_004999.4 (MANE Select); 19 bases into the intron before coding-DNA position 2078, T replaced by C.
Molecular consequence: intron variant.
Genome position (GRCh38, 1-based): chr6:75,879,801, T>C. VCF-style: chr6-75879801-T-C. GRCh37 (hg19) VCF-style: chr6-76589518-T-C.
Other names: c.2078-19T>C (NM_001368865.1, NM_001368866.1, NM_001368137.1 and 2 more transcripts); c.2063-19T>C (NM_001368138.1).
Identifiers: ClinVar variation 1202279 (VCV001202279.26), dbSNP rs188730005, ClinGen allele CA3897301.
Genomic context (GRCh38, chr6:75,879,801, plus strand): 5'-TACAAAAATGATCATTCACAAATTATTTTGGACTTCCGAACAGTGATTGACAGTGCTTTG[T>C]GCTTGTTCGTGAATCTAGGGATGGTGTCTGTTTTGGACTTGATGCAGGGTGGTTACCCAT-3'

ClinVar aggregate classification (germline): Benign/Likely benign. Review status: criteria provided, multiple submitters, no conflicts (2 of 4 stars). 5 submissions from 5 submitters: Benign (2); Likely benign (3). Last evaluated 2026-01-13.

Allele frequency attached by ClinVar (database versions not stated): 1000 Genomes Project 30x 0.00078; 1000 Genomes Project 0.00080; gnomAD 0.00105 and 0.00110; ESP Exome Variant Server 0.00108; ExAC 0.00123; gnomAD exomes 0.00129 and 0.00136; TOPMed 0.00136.
gnomAD v4.1: 2,078 of 1,614,172 alleles (0.13%); highest among the groups gnomAD compares: Middle Eastern, 0.43%; 3 homozygotes.

Submissions (5):

Labcorp Genetics (formerly Invitae), Labcorp
Classification: Benign. Last evaluated: 2026-01-13. Review status: criteria provided, single submitter. Criteria: Invitae Variant Classification Sherloc (09022015). Collection method: clinical testing. Allele origin: germline.

CeGaT Center for Human Genetics Tuebingen
Classification: Benign. Last evaluated: 2025-02-01. Review status: criteria provided, single submitter. Criteria: CeGaT Center For Human Genetics Tuebingen Variant Classification Criteria Version 2. Collection method: clinical testing. Allele origin: germline. Affected: yes. Observed: 1 variant allele.
Comment: MYO6: BS1, BS2

Blueprint Genetics
Classification: Likely benign. Last evaluated: 2024-11-26. Review status: criteria provided, single submitter. Criteria: ACMG Guidelines, 2015. Collection method: clinical testing. Allele origin: germline.

GeneDx
Classification: Likely benign. Last evaluated: 2019-12-23. Review status: criteria provided, single submitter. Criteria: GeneDx Variant Classification Process June 2021. Collection method: clinical testing. Allele origin: germline. Affected: yes.

Breakthrough Genomics
Classification: Likely benign. Review status: criteria provided, single submitter. Criteria: ACMG Guidelines, 2015. Collection method: not provided. Allele origin: germline. Inheritance: Autosomal recessive inheritance. Affected: yes.